The following is an entry in ClinVar:

NM_000257.4(MYH7):c.4275C>T (p.Ile1425=)

Genes: MHRT (myosin heavy chain associated RNA transcript; plus strand), MYH7 (myosin heavy chain 7; minus strand). Cytogenetic location: 14q11.2.
Variant type: single nucleotide variant.
Coding change: c.4275C>T on transcript NM_000257.4 (MANE Select); coding-DNA position 4275, C replaced by T.
Protein change: p.Ile1425=; no amino-acid change (isoleucine 1425 retained).
Molecular consequence: synonymous variant. On other transcripts: non-coding transcript variant (1).
Genome position (GRCh38, 1-based): chr14:23,417,581, G>A on the plus strand (C>T on the coding strand, the complement: MYH7 is on the minus strand). VCF-style: chr14-23417581-G-A. GRCh37 (hg19) VCF-style: chr14-23886790-G-A.
Other names: c.4275C>T (LRG_384t1).
Identifiers: ClinVar variation 390631 (VCV000390631.12), dbSNP rs57680382, ClinGen allele CA041447.
Genomic context (GRCh38, chr14:23,417,581, plus strand): 5'-CTTCTTGTCCAGGGCTGCAGCAGCAGCATTGGAGCGCTCTACGTCCACCATCAAGTCCTC[G>A]ATCTCATTCTGTAGCCGGTGCTTGGTCTTCTCCAGCGAGGAGCACTTGGCATTAACAGCC-3'
Protein context (NP_000248.2, residues 1415-1435): EKTKHRLQNE[Ile1425=]EDLMVDVERS

ClinVar aggregate classification (germline): Likely benign. Review status: criteria provided, multiple submitters, no conflicts (2 of 4 stars). 4 submissions from 4 submitters: Likely benign (4). Last evaluated 2025-10-27.

Conditions:
Cardiovascular phenotype. Identifiers: MedGen CN230736.
Hypertrophic cardiomyopathy. Also called: HYPERTROPHIC MYOCARDIOPATHY. Identifiers: Orphanet 217569, MedGen C0007194, MeSH D002312, MONDO:0005045, HP:0001639.
Cardiomyopathy (CMYO). Also called: Cardiomyopathies. Identifiers: Orphanet 167848, MedGen C0878544, MONDO:0004994, HP:0001638. Inheritance: Various modes of inheritance.

Allele frequency attached by ClinVar (database versions not stated): TOPMed 0.00001; ESP Exome Variant Server 0.00008.
gnomAD v4.1: 23 of 1,612,470 alleles (0.0014%); highest among the groups gnomAD compares: East Asian, 0.0067%; no homozygotes.

Submissions (4):

Labcorp Genetics (formerly Invitae), Labcorp
Classification: Likely benign for Hypertrophic cardiomyopathy. Last evaluated: 2025-10-27. Review status: criteria provided, single submitter. Criteria: Invitae Variant Classification Sherloc (09022015). Collection method: clinical testing. Allele origin: germline.

Ambry Genetics
Classification: Likely benign for Cardiovascular phenotype. Last evaluated: 2025-10-01. Review status: criteria provided, single submitter. Criteria: Ambry Variant Classification Scheme 2023. Collection method: clinical testing. Allele origin: germline.

Color Diagnostics, LLC DBA Color Health
Classification: Likely benign for Cardiomyopathy. Last evaluated: 2019-11-20. Review status: criteria provided, single submitter. Criteria: ACMG Guidelines, 2015. Collection method: clinical testing. Allele origin: germline.

GeneDx
Classification: Likely benign. Last evaluated: 2016-11-08. Review status: criteria provided, single submitter. Criteria: GeneDx Variant Classification (06012015). Collection method: clinical testing. Allele origin: germline. Affected: yes.
Comment: This variant is considered likely benign or benign based on one or more of the following criteria: it is a conservative change, it occurs at a poorly conserved position in the protein, it is predicted to be benign by multiple in silico algorithms, and/or has population frequency not consistent with disease.